The following is an entry in ClinVar:

NM_138694.4(PKHD1):c.1505A>T (p.Glu502Val)

Gene: PKHD1 (PKHD1 ciliary IPT domain containing fibrocystin/polyductin; minus strand). Cytogenetic location: 6p12.2.
Variant type: single nucleotide variant.
Coding change: c.1505A>T on transcript NM_138694.4 (MANE Select); coding-DNA position 1505, A replaced by T.
Protein change: p.Glu502Val; replaces glutamic acid 502 with valine.
Molecular consequence: missense variant.
Genome position (GRCh38, 1-based): chr6:52,058,330, T>A on the plus strand (A>T on the coding strand, the complement: PKHD1 is on the minus strand). VCF-style: chr6-52058330-T-A. GRCh37 (hg19) VCF-style: chr6-51923128-T-A.
Other names: c.1505A>T, p.Glu502Val (NM_170724.3); short protein forms E502V.
Identifiers: ClinVar variation 429317 (VCV000429317.2), dbSNP rs767695967, ClinGen allele CA3853545.

ClinVar aggregate classification (germline): Likely pathogenic (1 of 4 stars; one submission).

Allele frequency attached by ClinVar (database versions not stated): gnomAD exomes below 0.00001; ExAC 0.00001.
gnomAD v4.1: 4 of 1,614,128 alleles (0.00025%); highest among the groups gnomAD compares: South Asian, 0.0044%; no homozygotes.

Submission:

GeneDx
Classification: Likely pathogenic. Last evaluated: 2015-07-21. Review status: criteria provided, single submitter. Criteria: GeneDx Variant Classification (06012015). Collection method: clinical testing. Allele origin: germline. Affected: yes.
Comment: The E502V variant in the PKHD1 gene has not been published as a pathogenic variant, nor has it been reported as a benign polymorphism to our knowledge. The E502V variant was not observed in approximately 6,500 individuals of European and African American ancestry in the NHLBI Exome Sequencing Project, indicating it is not a common benign variant in these populations. The E502V variant is a non-conservative amino acid substitution, which is likely to impact secondary protein structure as these residues differ in polarity, charge, size and/or other properties. This substitution occurs at a position where amino acids with similar properties to Glutamate are tolerated across species. In silico analysis predicts this variant is probably damaging to the protein structure/function. Missense variants in nearby residues (R496P, Q504H) have been reported in the Human Gene Mutation Database in association with polycystic kidney disease (Stenson et al., 2014), supporting the functional importance of this region of the protein. The E502V variant is a strong candidate for a disease-causing variant, however the possibility it may be a rare benign variant cannot be excluded